The following is an entry in ClinVar:

NM_004369.4(COL6A3):c.8939C>T (p.Thr2980Ile)

Gene: COL6A3 (collagen type VI alpha 3 chain; minus strand). Cytogenetic location: 2q37.3.
Variant type: single nucleotide variant.
Coding change: c.8939C>T on transcript NM_004369.4 (MANE Select); coding-DNA position 8939, C replaced by T.
Protein change: p.Thr2980Ile; replaces threonine 2980 with isoleucine.
Molecular consequence: missense variant.
Genome position (GRCh38, 1-based): chr2:237,336,161, G>A on the plus strand (C>T on the coding strand, the complement: COL6A3 is on the minus strand). VCF-style: chr2-237336161-G-A. GRCh37 (hg19) VCF-style: chr2-238244804-G-A.
Other names: c.7118C>T, p.Thr2373Ile (NM_057166.5); c.8321C>T, p.Thr2774Ile (NM_057167.4); short protein forms T2373I, T2774I, T2980I.
Identifiers: ClinVar variation 2440486 (VCV002440486.5), dbSNP rs1286632582, ClinGen allele CA351190953.

ClinVar aggregate classification (germline): Uncertain significance. Review status: criteria provided, multiple submitters, no conflicts (2 of 4 stars). 3 submissions from 3 submitters: Uncertain significance (3). Last evaluated 2025-09-05.

Conditions:
Inborn genetic diseases. Identifiers: MedGen C0950123, MeSH D030342.

Allele frequency attached by ClinVar (database versions not stated): gnomAD exomes below 0.00001; gnomAD 0.00003; TOPMed 0.00003.
gnomAD v4.1: 11 of 1,613,328 alleles (0.00068%); highest among the groups gnomAD compares: Admixed American, 0.005%; no homozygotes.

Submissions (3):

Ambry Genetics
Classification: Uncertain significance for Inborn genetic diseases. Last evaluated: 2025-09-05. Review status: criteria provided, single submitter. Criteria: Ambry Variant Classification Scheme 2023. Collection method: clinical testing. Allele origin: germline.

GeneDx
Classification: Uncertain significance. Last evaluated: 2024-03-18. Review status: criteria provided, single submitter. Criteria: GeneDx Variant Classification Process June 2021. Collection method: clinical testing. Allele origin: germline. Affected: yes.
Comment: In silico analysis supports that this missense variant does not alter protein structure/function; Has not been previously published as pathogenic or benign to our knowledge

Revvity Omics, Revvity
Classification: Uncertain significance. Last evaluated: 2020-03-11. Review status: criteria provided, single submitter. Criteria: ACMG Guidelines, 2015. Collection method: clinical testing. Allele origin: germline.